The following is an entry in ClinVar:

ClinVar aggregate classification (germline): Uncertain significance. Review status: criteria provided, single submitter (1 of 4 stars). 2 submissions from 2 submitters: Uncertain significance (1). 1 of the submissions does not count toward it. Last evaluated 2025-01-01.

Conditions:
OPLAH-related disorder. Also called: OPLAH-related condition.

gnomAD v4.1: 4 of 1,612,822 alleles (0.00025%); highest among the groups gnomAD compares: East Asian, 0.0045%; no homozygotes.

Submissions (2):

Ambry Genetics
Classification: Uncertain significance. Last evaluated: 2025-01-01. Review status: criteria provided, single submitter. Criteria: Ambry Variant Classification Scheme 2023. Collection method: clinical testing. Allele origin: germline.

PreventionGenetics, part of Exact Sciences
Classification: Uncertain significance for OPLAH-related condition. Last evaluated: 2024-06-18. Review status: no assertion criteria provided. Collection method: clinical testing. Allele origin: germline. Not counted in ClinVar's aggregate classification.
Comment: The OPLAH c.2833G>A variant is predicted to result in the amino acid substitution p.Gly945Ser. To our knowledge, this variant has not been reported in the literature or in a large population database, indicating this variant is rare. At this time, the clinical significance of this variant is uncertain due to the absence of conclusive functional and genetic evidence.

NM_017570.5(OPLAH):c.2833G>A (p.Gly945Ser)

Gene: OPLAH (5-oxoprolinase, ATP-hydrolysing; minus strand). Cytogenetic location: 8q24.3.
Variant type: single nucleotide variant.
Coding change: c.2833G>A on transcript NM_017570.5 (MANE Select); coding-DNA position 2833, G replaced by A.
Protein change: p.Gly945Ser; replaces glycine 945 with serine.
Molecular consequence: missense variant.
Genome position (GRCh38, 1-based): chr8:144,053,247, C>T on the plus strand (G>A on the coding strand, the complement: OPLAH is on the minus strand). VCF-style: chr8-144053247-C-T. GRCh37 (hg19) VCF-style: chr8-145108150-C-T.
Other names: c.2833G>A (NM_017570.3); short protein forms G945S.
Identifiers: ClinVar variation 3351892 (VCV003351892.2).
Genomic context (GRCh38, chr8:144,053,247, plus strand): 5'-ACACTCCTGTGCCCAGGCCCACCTGAATATGGCCCATGTAGGCCTGCACCACGTCCAGGC[C>T]GTACTGCCCAATGAGCTCCCCCACCAGCTGGATGCCCTTCTGGTTGGCTGCCACCTGGGC-3'
Protein context (NP_060040.1, residues 935-955): QLVGELIGQY[Gly945Ser]LDVVQAYMGH